The following is an entry in ClinVar:

ClinVar aggregate classification (germline): Conflicting classifications of pathogenicity. Review status: criteria provided, conflicting classifications (1 of 4 stars). 3 submissions from 3 submitters: Pathogenic (2); Uncertain significance (1). Last evaluated 2025-10-05.

Conditions:
Bilateral microphthalmos. Identifiers: MedGen C1843496, HP:0007633.
Syndromic microphthalmia. Also called: Syndromic microphthalmia-anophthalmia-coloboma. Identifiers: Orphanet 202948, MedGen C5679782, MONDO:0016073.

Submissions (3):

Genetics Department, University Hospital of Toulouse
Classification: Pathogenic for Syndromic microphthalmia. Last evaluated: 2025-10-05. Review status: criteria provided, single submitter. Criteria: ACMG Guidelines, 2015. Collection method: clinical testing. Allele origin: de novo. Affected: yes. Observed: 1 variant allele.
Comment: The variant was found de novo (both parents confirmed). Individual described in PMID:36450800. It was classified as P (PVS1, PS2, PM2).

Genomics, Genetics and Epigenetics Laboratory, Medical College of Wisconsin
Classification: Pathogenic for Bilateral microphthalmos. Last evaluated: 2022-11-02. Review status: criteria provided, single submitter. Criteria: ACMG Guidelines, 2015. Collection method: research. Allele origin: de novo. Affected: yes.

Blueprint Genetics
Classification: Uncertain significance. Last evaluated: 2020-12-07. Review status: criteria provided, single submitter. Criteria: ACMG Guidelines, 2015. Collection method: clinical testing. Allele origin: germline.

Literature cited by the submitters: PubMed 36450800 (cited by Genetics Department, University Hospital of Toulouse and Genomics, Genetics and Epigenetics Laboratory, Medical College of Wisconsin).

NM_004491.5(ARHGAP35):c.1849C>T (p.Arg617Ter)

Gene: ARHGAP35 (Rho GTPase activating protein 35; plus strand). Cytogenetic location: 19q13.32.
Variant type: single nucleotide variant.
Coding change: c.1849C>T on transcript NM_004491.5 (MANE Select); coding-DNA position 1849, C replaced by T.
Protein change: p.Arg617Ter; replaces arginine 617 with a stop codon.
Molecular consequence: nonsense.
Genome position (GRCh38, 1-based): chr19:46,920,524, C>T. VCF-style: chr19-46920524-C-T. GRCh37 (hg19) VCF-style: chr19-47423781-C-T.
Other names: short protein forms R617*.
Identifiers: ClinVar variation 1727217 (VCV001727217.4), dbSNP rs1063735, ClinGen allele CA406507618.